The following is an entry in ClinVar:

NM_006231.4(POLE):c.6716C>A (p.Ala2239Glu)

Gene: POLE (DNA polymerase epsilon, catalytic subunit; minus strand). Cytogenetic location: 12q24.33.
Variant type: single nucleotide variant.
Coding change: c.6716C>A on transcript NM_006231.4 (MANE Select); coding-DNA position 6716, C replaced by A.
Protein change: p.Ala2239Glu; replaces alanine 2239 with glutamic acid.
Molecular consequence: missense variant.
Genome position (GRCh38, 1-based): chr12:132,624,936, G>T on the plus strand (C>A on the coding strand, the complement: POLE is on the minus strand). VCF-style: chr12-132624936-G-T. GRCh37 (hg19) VCF-style: chr12-133201522-G-T.
Other names: short protein forms A2239E.
Identifiers: ClinVar variation 1392032 (VCV001392032.8), dbSNP rs190813054, ClinGen allele CA387366081.

ClinVar aggregate classification (germline): Uncertain significance (1 of 4 stars; one submission).

Submission:

Labcorp Genetics (formerly Invitae), Labcorp
Classification: Uncertain significance. Last evaluated: 2024-10-21. Review status: criteria provided, single submitter. Criteria: Invitae Variant Classification Sherloc (09022015). Collection method: clinical testing. Allele origin: germline.
Comment: This sequence change replaces alanine, which is neutral and non-polar, with glutamic acid, which is acidic and polar, at codon 2239 of the POLE protein (p.Ala2239Glu). This variant is not present in population databases (gnomAD no frequency). This variant has not been reported in the literature in individuals affected with POLE-related conditions. ClinVar contains an entry for this variant (Variation ID: 1392032). Invitae Evidence Modeling of protein sequence and biophysical properties (such as structural, functional, and spatial information, amino acid conservation, physicochemical variation, residue mobility, and thermodynamic stability) indicates that this missense variant is expected to disrupt POLE protein function with a positive predictive value of 80%. In summary, the available evidence is currently insufficient to determine the role of this variant in disease. Therefore, it has been classified as a Variant of Uncertain Significance.